The following is an entry in ClinVar:

NM_052854.4(CREB3L1):c.1240G>A (p.Val414Ile)

Gene: CREB3L1 (cAMP responsive element binding protein 3 like 1; plus strand). Cytogenetic location: 11p11.2.
Variant type: single nucleotide variant.
Coding change: c.1240G>A on transcript NM_052854.4 (MANE Select); coding-DNA position 1240, G replaced by A.
Protein change: p.Val414Ile; replaces valine 414 with isoleucine.
Molecular consequence: missense variant.
Genome position (GRCh38, 1-based): chr11:46,317,469, G>A. VCF-style: chr11-46317469-G-A. GRCh37 (hg19) VCF-style: chr11-46339020-G-A.
Other names: c.1240G>A (NM_052854.2); short protein forms V414I.
Identifiers: ClinVar variation 1914143 (VCV001914143.5), dbSNP rs559259997, ClinGen allele CA5961824.

ClinVar aggregate classification (germline): Conflicting classifications of pathogenicity. Review status: criteria provided, conflicting classifications (1 of 4 stars). 2 submissions from 2 submitters: Uncertain significance (1); Likely benign (1). Last evaluated 2025-10-22.

Conditions:
Inborn genetic diseases. Identifiers: MedGen C0950123, MeSH D030342.

Allele frequency attached by ClinVar (database versions not stated): gnomAD 0.00003; gnomAD exomes 0.00003; TOPMed 0.00003; ExAC 0.00004; 1000 Genomes Project 30x 0.00016; 1000 Genomes Project 0.00020.

Submissions (2):

Ambry Genetics
Classification: Likely benign for Inborn genetic diseases. Last evaluated: 2025-10-22. Review status: criteria provided, single submitter. Criteria: Ambry Variant Classification Scheme 2023. Collection method: clinical testing. Allele origin: germline.

Labcorp Genetics (formerly Invitae), Labcorp
Classification: Uncertain significance. Last evaluated: 2024-10-17. Review status: criteria provided, single submitter. Criteria: Invitae Variant Classification Sherloc (09022015). Collection method: clinical testing. Allele origin: germline.
Comment: This sequence change replaces valine, which is neutral and non-polar, with isoleucine, which is neutral and non-polar, at codon 414 of the CREB3L1 protein (p.Val414Ile). This variant is present in population databases (rs559259997, gnomAD 0.01%). This variant has not been reported in the literature in individuals affected with CREB3L1-related conditions. ClinVar contains an entry for this variant (Variation ID: 1914143). An algorithm developed to predict the effect of missense changes on protein structure and function outputs the following: PolyPhen-2: "Benign". The isoleucine amino acid residue is found in multiple mammalian species, which suggests that this missense change does not adversely affect protein function. In summary, the available evidence is currently insufficient to determine the role of this variant in disease. Therefore, it has been classified as a Variant of Uncertain Significance.